The following is an entry in ClinVar:

NM_032043.3(BRIP1):c.937del (p.Tyr313fs)

Gene: BRIP1 (BRCA1 interacting DNA helicase 1; minus strand). Cytogenetic location: 17q23.2.
Variant type: Deletion.
Coding change: c.937del on transcript NM_032043.3 (MANE Select); coding-DNA position 937, one base deleted (T; older notation c.937delT).
Protein change: p.Tyr313fs; shifts the reading frame from tyrosine 313.
Molecular consequence: frameshift variant.
Genome position (GRCh38, 1-based): chr17:61,801,456, A deleted on the plus strand (T on the coding strand, the reverse complement: BRIP1 is on the minus strand); the first of 5 consecutive A bases (chr17:61,801,456-61,801,460); deleting any one gives the same sequence. VCF-style (leftmost placement, unchanged base first): chr17-61801455-TA-T. GRCh37 (hg19) VCF-style: chr17-59878816-TA-T.
Other names: short protein forms Y313fs.
Identifiers: ClinVar variation 3904157 (VCV003904157.1).
Genomic context (GRCh38, chr17:61,801,455, plus strand): 5'-TTGCACATCCCTTGGAAAGTCTGTAATGTGTGCTGATCACTAATTTTATGAACTCCATGA[TA>T]AAAATAGCAGGATTTTCCCTAGAAACAAATATGCATAACTGAAATGTGAACCAATATTAG-3'

ClinVar aggregate classification (germline): Pathogenic (1 of 4 stars; one submission).

Conditions:
Familial cancer of breast. Also called: Hereditary breast cancer; hereditary breast carcinoma; BREAST CANCER, FAMILIAL. Identifiers: Orphanet 227535, MedGen C0346153, MONDO:0016419, OMIM 114480. Disease mechanism: loss of function.

Submission:

Myriad Genetics, Inc.
Classification: Pathogenic for Familial cancer of breast. Last evaluated: 2025-03-05. Review status: criteria provided, single submitter. Criteria: Myriad Autosomal Dominant, Autosomal Recessive and X-Linked Classification Criteria (2023). Collection method: clinical testing. Allele origin: unknown.
Comment: This variant is considered pathogenic. This variant creates a frameshift predicted to result in premature protein truncation.